The following is an entry in ClinVar:

ClinVar aggregate classification (germline): Pathogenic (1 of 4 stars; one submission).

Submission:

Labcorp Genetics (formerly Invitae), Labcorp
Classification: Pathogenic. Last evaluated: 2025-03-09. Review status: criteria provided, single submitter. Criteria: Invitae Variant Classification Sherloc (09022015). Collection method: clinical testing. Allele origin: germline.
Comment: This sequence change creates a premature translational stop signal (p.Ser227Valfs*16) in the FERMT1 gene. It is expected to result in an absent or disrupted protein product. Loss-of-function variants in FERMT1 are known to be pathogenic (PMID: 14962093, 21936020). This variant is not present in population databases (gnomAD no frequency). This variant has not been reported in the literature in individuals affected with FERMT1-related conditions. ClinVar contains an entry for this variant (Variation ID: 1452763). Algorithms developed to predict the effect of sequence changes on RNA splicing suggest that this variant may disrupt the consensus splice site. For these reasons, this variant has been classified as Pathogenic.

Literature cited by the submitters: PubMed 14962093; PubMed 21936020.

NM_017671.5(FERMT1):c.678dup (p.Ser227fs)

Gene: FERMT1 (FERM domain containing kindlin 1; minus strand). Cytogenetic location: 20p12.3.
Variant type: Duplication.
Coding change: c.678dup on transcript NM_017671.5 (MANE Select); coding-DNA position 678, one base duplicated (G; older notation c.678dupG).
Protein change: p.Ser227fs; shifts the reading frame from serine 227.
Molecular consequence: frameshift variant.
Genome position (GRCh38, 1-based): chr20:6,110,366, C duplicated on the plus strand (G on the coding strand, the reverse complement: FERMT1 is on the minus strand). VCF-style (leftmost placement, unchanged base first): chr20-6110365-A-AC. GRCh37 (hg19) VCF-style: chr20-6091012-A-AC.
Other names: short protein forms S227fs.
Identifiers: ClinVar variation 1452763 (VCV001452763.6), dbSNP rs2123140877, ClinGen allele CA2573156960.
Genomic context (GRCh38, chr20:6,110,365, plus strand): 5'-TGAGCTTGGCTTTATCAACCAGAGACCGAGGCTGGTACATATCCGCAAGTGCTTCTGGGG[A>AC]CTGGGGGGGTTGGCTGAATGCGAGGATGCTGCAGTTTTGTTCCGTCAAAGGGCTGTCACT-3'